The following is an entry in ClinVar:

ClinVar aggregate classification (germline): Uncertain significance (1 of 4 stars; one submission).

Submission:

Labcorp Genetics (formerly Invitae), Labcorp
Classification: Uncertain significance. Last evaluated: 2025-07-14. Review status: criteria provided, single submitter. Criteria: Invitae Variant Classification Sherloc (09022015). Collection method: clinical testing. Allele origin: germline.
Comment: This sequence change affects an acceptor splice site in intron 4 of the KITLG gene. It is expected to disrupt RNA splicing. Variants that disrupt the donor or acceptor splice site typically lead to a loss of protein function (PMID: 16199547), however the current clinical and genetic evidence is not sufficient to establish whether loss-of-function variants in KITLG cause disease. This variant is not present in population databases (gnomAD no frequency). This variant has not been reported in the literature in individuals affected with KITLG-related conditions. ClinVar contains an entry for this variant (Variation ID: 1994913). Algorithms developed to predict the effect of sequence changes on RNA splicing suggest that this variant may disrupt the consensus splice site. In summary, the available evidence is currently insufficient to determine the role of this variant in disease. Therefore, it has been classified as a Variant of Uncertain Significance.

Literature cited by the submitters: PubMed 16199547.

NM_000899.5(KITLG):c.364-1G>A

Gene: KITLG (KIT ligand; minus strand). Cytogenetic location: 12q21.32.
Variant type: single nucleotide variant.
Coding change: c.364-1G>A on transcript NM_000899.5 (MANE Select); the canonical splice acceptor site of the intron before coding-DNA position 364, G replaced by A.
Molecular consequence: splice acceptor variant.
Genome position (GRCh38, 1-based): chr12:88,516,491, C>T on the plus strand (G>A on the coding strand, the complement: KITLG is on the minus strand). VCF-style: chr12-88516491-C-T. GRCh37 (hg19) VCF-style: chr12-88910268-C-T.
Other names: c.364-1G>A (NM_003994.6).
Identifiers: ClinVar variation 1994913 (VCV001994913.4), dbSNP rs2499147627, ClinGen allele CA386122357.